The following is an entry in ClinVar:

NM_000429.3(MAT1A):c.1042del (p.Val348fs)

Gene: MAT1A (methionine adenosyltransferase 1A; minus strand). Cytogenetic location: 10q22.3.
Variant type: Deletion.
Coding change: c.1042del on transcript NM_000429.3 (MANE Select); coding-DNA position 1042, one base deleted (G; older notation c.1042delG).
Protein change: p.Val348fs; shifts the reading frame from valine 348.
Molecular consequence: frameshift variant.
Genome position (GRCh38, 1-based): chr10:80,274,563, C deleted on the plus strand (G on the coding strand, the reverse complement: MAT1A is on the minus strand). VCF-style (leftmost placement, unchanged base first): chr10-80274562-AC-A. GRCh37 (hg19) VCF-style: chr10-82034318-AC-A.
Other names: short protein forms V348fs.
Identifiers: ClinVar variation 1969591 (VCV001969591.5), dbSNP rs1186170316, ClinGen allele CA668885027.
Genomic context (GRCh38, chr10:80,274,562, plus strand): 5'-CAGCGCATGGCACTTTACCTGACAATGACGCCCGGCCGGAGGTCGAAGTTCTTATGCACC[AC>A]ATCCAGCAGCTCTCGCTCTGTCTTCTGAGAGGTTCCGTAGGTGAAGATGGAAATGGACAG-3'

ClinVar aggregate classification (germline): Pathogenic (1 of 4 stars; one submission).

Conditions:
Hepatic methionine adenosyltransferase deficiency. Also called: Isolated Persistent Hypermethioninemia; MAT I/III DEFICIENCY; Methionine adenosyltransferase deficiency; Deficiency of methionine adenosyltransferase. Identifiers: Orphanet 168598, MedGen C0268621, MeSH C564683, MONDO:0009607, OMIM 250850.

Submission:

Labcorp Genetics (formerly Invitae), Labcorp
Classification: Pathogenic for Hepatic methionine adenosyltransferase deficiency. Last evaluated: 2024-10-24. Review status: criteria provided, single submitter. Criteria: Invitae Variant Classification Sherloc (09022015). Collection method: clinical testing. Allele origin: germline.
Comment: This sequence change creates a premature translational stop signal (p.Val348Trpfs*19) in the MAT1A gene. While this is not anticipated to result in nonsense mediated decay, it is expected to disrupt the last 48 amino acid(s) of the MAT1A protein. This variant is not present in population databases (gnomAD no frequency). This variant has not been reported in the literature in individuals affected with MAT1A-related conditions. ClinVar contains an entry for this variant (Variation ID: 1969591). This variant disrupts a region of the MAT1A protein in which other variant(s) (p.Pro357Leu) have been determined to be pathogenic (PMID: 7560086, 15935930). This suggests that this is a clinically significant region of the protein, and that variants that disrupt it are likely to be disease-causing. For these reasons, this variant has been classified as Pathogenic.

Literature cited by the submitters: PubMed 7560086; PubMed 15935930.